The following is an entry in ClinVar:

NM_001244008.2(KIF1A):c.518T>C (p.Leu173Pro)

Gene: KIF1A (kinesin family member 1A; minus strand). Cytogenetic location: 2q37.3.
Variant type: single nucleotide variant.
Coding change: c.518T>C on transcript NM_001244008.2 (MANE Select); coding-DNA position 518, T replaced by C.
Protein change: p.Leu173Pro; replaces leucine 173 with proline.
Molecular consequence: missense variant.
Genome position (GRCh38, 1-based): chr2:240,786,425, A>G on the plus strand (T>C on the coding strand, the complement: KIF1A is on the minus strand). VCF-style: chr2-240786425-A-G. GRCh37 (hg19) VCF-style: chr2-241725842-A-G.
Other names: c.518T>C (NM_004321.5); c.518T>C, p.Leu173Pro (NM_001320705.2, NM_001330289.2, NM_001330290.2 and 20 more transcripts); short protein forms L173P.
Identifiers: ClinVar variation 974916 (VCV000974916.2), dbSNP rs2054755647, ClinGen allele CA351306341.

ClinVar aggregate classification (germline): Likely pathogenic. Review status: criteria provided, multiple submitters, no conflicts (2 of 4 stars). 2 submissions from 2 submitters: Likely pathogenic (2). Last evaluated 2024-05-23.

Conditions:
Inborn genetic diseases. Identifiers: MedGen C0950123, MeSH D030342.
Hereditary spastic paraplegia 30. Identifiers: Orphanet 101010, MedGen C5235139, MONDO:0012476.

Submissions (2):

Ambry Genetics
Classification: Likely pathogenic for Inborn genetic diseases. Last evaluated: 2024-05-23. Review status: criteria provided, single submitter. Criteria: Ambry Variant Classification Scheme 2023. Collection method: clinical testing. Allele origin: germline.
Comment: The c.518T>C (p.L173P) alteration is located in exon 6 (coding exon 5) of the KIF1A gene. This alteration results from a T to C substitution at nucleotide position 518, causing the leucine (L) at amino acid position 173 to be replaced by a proline (P). for autosomal dominant KIF1A-related neuronal disorder; however, its clinical significance for autosomal recessive KIF1A-related spastic paraplegia is uncertain This variant was not reported in population-based cohorts in the Genome Aggregation Database (gnomAD). This variant was reported in to segregate with disease in a family with hereditary spastic paraplegia (Pennings, 2020). This amino acid position is highly conserved in available vertebrate species. This missense alteration is located in a region that has a low rate of benign missense variation (Lek, 2016; Firth, 2009). This alteration is predicted to be deleterious by in silico analysis. Based on the available evidence, this alteration is classified as likely pathogenic.

SIB Swiss Institute of Bioinformatics
Classification: Likely pathogenic for Spastic paraplegia 30A, autosomal dominant. Last evaluated: 2020-06-15. Review status: criteria provided, single submitter. Criteria: ACMG Guidelines, 2015. Collection method: curation. Allele origin: unknown.
Comment: This variant is interpreted as likely pathogenic for spastic paraplegia 30, autosomal dominant. The following ACMG Tag(s) were applied: Absent from controls (or at extremely low frequency if recessive) in Exome Sequencing Project, 1000 Genomes Project, or Exome Aggregation Consortium (PM2); Cosegregation with disease in multiple affected family members in a gene definitively known to cause the disease (PP1 moderate); Multiple lines of computational evidence support a deleterious effect on the gene or gene product (PP3); Missense variant in a gene that has a low rate of benign missense variation and in which missense variants are a common mechanism of disease (PP2).

Literature cited by the submitters: PubMed 31488895 (cited by Ambry Genetics and SIB Swiss Institute of Bioinformatics).